The following is an entry in ClinVar:

ClinVar aggregate classification (germline): Likely benign. Review status: criteria provided, multiple submitters, no conflicts (2 of 4 stars). 2 submissions from 2 submitters: Likely benign (2). Last evaluated 2024-10-30.

Conditions:
KIDINS220-related disorder. Also called: KIDINS220-related condition.

gnomAD v4.1: 114 of 1,613,800 alleles (0.0071%); highest among the groups gnomAD compares: East Asian, 0.25%; no homozygotes.

Submissions (2):

PreventionGenetics, part of Exact Sciences
Classification: Likely benign for KIDINS220-related condition. Last evaluated: 2024-10-30. Review status: criteria provided, single submitter. Criteria: ACMG Guidelines, 2015. Collection method: clinical testing. Allele origin: germline.
Comment: This variant is classified as likely benign based on ACMG/AMP sequence variant interpretation guidelines (Richards et al. 2015 PMID: 25741868, with internal and published modifications).

Blueprint Genetics
Classification: Likely benign. Last evaluated: 2024-01-12. Review status: criteria provided, single submitter. Criteria: ACMG Guidelines, 2015. Collection method: clinical testing. Allele origin: germline.

NM_020738.4(KIDINS220):c.2781C>G (p.Thr927=)

Gene: KIDINS220 (kinase D interacting substrate 220; minus strand). Cytogenetic location: 2p25.1.
Variant type: single nucleotide variant.
Coding change: c.2781C>G on transcript NM_020738.4 (MANE Select); coding-DNA position 2781, C replaced by G.
Protein change: p.Thr927=; no amino-acid change (threonine 927 retained).
Molecular consequence: synonymous variant. On other transcripts: non-coding transcript variant (2).
Genome position (GRCh38, 1-based): chr2:8,776,815, G>C on the plus strand (C>G on the coding strand, the complement: KIDINS220 is on the minus strand). VCF-style: chr2-8776815-G-C. GRCh37 (hg19) VCF-style: chr2-8916945-G-C.
Other names: c.2781C>G (NM_020738.2); c.2784C>G, p.Thr928= (NM_001348729.2, NM_001348731.2, NM_001348734.2 and 3 more transcripts); c.2781C>G, p.Thr927= (NM_001348732.2, NM_001348735.2, NM_001348738.2 and 3 more transcripts); c.2655C>G, p.Thr885= (NM_001348736.2).
Identifiers: ClinVar variation 4952885 (VCV004952885.2).